The following is an entry in ClinVar:

NM_000051.4(ATM):c.2846T>C (p.Met949Thr)

Gene: ATM (ATM serine/threonine kinase; plus strand). Cytogenetic location: 11q22.3.
Variant type: single nucleotide variant.
Coding change: c.2846T>C on transcript NM_000051.4 (MANE Select); coding-DNA position 2846, T replaced by C.
Protein change: p.Met949Thr; replaces methionine 949 with threonine.
Molecular consequence: missense variant.
Genome position (GRCh38, 1-based): chr11:108,271,071, T>C. VCF-style: chr11-108271071-T-C. GRCh37 (hg19) VCF-style: chr11-108141798-T-C.
Other names: c.2846T>C, p.Met949Thr (NM_001351834.2); short protein forms M949T.
Identifiers: ClinVar variation 821895 (VCV000821895.6), dbSNP rs1591602201, ClinGen allele CA382546702.
Genomic context (GRCh38, chr11:108,271,071, plus strand): 5'-TAAAGTAAATGATTTGTGGATAAACCTGATTTTTTTCCCTCCTACCATCTTAGTATCTAA[T>C]GCTTTTAAAGGAGCTTCCTGGAGAAGAGTACCCCTTGCCAATGGAAGATGTTCTTGAACT-3'
Protein context (NP_000042.3, residues 939-959): TKSLHLHMYL[Met949Thr]LLKELPGEEY

ClinVar aggregate classification (germline): Uncertain significance (1 of 4 stars; one submission).

Conditions:
Hereditary cancer-predisposing syndrome. Also called: Tumor predisposition; Hereditary Cancer Syndrome; Neoplastic Syndromes, Hereditary; Hereditary neoplastic syndrome. Identifiers: Orphanet 140162, MedGen C0027672, MeSH D009386, MONDO:0015356.

Submission:

Ambry Genetics
Classification: Uncertain significance for Hereditary cancer-predisposing syndrome. Last evaluated: 2025-07-28. Review status: criteria provided, single submitter. Criteria: Ambry Variant Classification Scheme 2023. Collection method: clinical testing. Allele origin: germline.
Comment: The p.M949T variant (also known as c.2846T>C), located in coding exon 18 of the ATM gene, results from a T to C substitution at nucleotide position 2846. The methionine at codon 949 is replaced by threonine, an amino acid with similar properties. This amino acid position is poorly conserved in available vertebrate species. In addition, this alteration is predicted to be tolerated by in silico analysis. Since supporting evidence is limited at this time, the clinical significance of this alteration remains unclear.